The following is an entry in ClinVar:

ClinVar aggregate classification (germline): Conflicting classifications of pathogenicity. Review status: criteria provided, conflicting classifications (1 of 4 stars). 2 submissions from 2 submitters: Likely pathogenic (1); Uncertain significance (1). Last evaluated 2025-07-30.

Conditions:
Osteogenesis imperfecta type I (OI1). Also called: OI, TYPE I; OSTEOGENESIS IMPERFECTA TARDA; OSTEOGENESIS IMPERFECTA WITH BLUE SCLERAE; Osteogenesis imperfecta type 1; Lobstein's Disease; Lobstein disease. Identifiers: Orphanet 216796, Orphanet 666, MedGen C0023931, MONDO:0008146, OMIM 166200. Disease mechanism: loss of function.
COL1A1-related disorder. Also called: COL1A1-related condition; COL1A1- related disease.

Submissions (2):

Labcorp Genetics (formerly Invitae), Labcorp
Classification: Uncertain significance for Osteogenesis imperfecta type I. Last evaluated: 2025-07-30. Review status: criteria provided, single submitter. Criteria: Invitae Variant Classification Sherloc (09022015). Collection method: clinical testing. Allele origin: germline.
Comment: This sequence change falls in intron 39 of the COL1A1 gene. It does not directly change the encoded amino acid sequence of the COL1A1 protein. It affects a nucleotide within the consensus splice site. This variant is not present in population databases (gnomAD no frequency). This variant has been observed in individual(s) with osteogenesis imperfecta (PMID: 27509835; internal data). Variants that disrupt the consensus splice site are a relatively common cause of aberrant splicing (PMID: 17576681, 9536098). Algorithms developed to predict the effect of sequence changes on RNA splicing suggest that this variant may disrupt the consensus splice site. In summary, the available evidence is currently insufficient to determine the role of this variant in disease. Therefore, it has been classified as a Variant of Uncertain Significance.

Blueprint Genetics
Classification: Likely pathogenic for COL1A1-related disorders. Last evaluated: 2020-08-25. Review status: criteria provided, single submitter. Criteria: ACMG Guidelines, 2015. Collection method: clinical testing. Allele origin: germline. Affected: yes. Observed: 1 variant allele.

Literature cited by the submitters: PubMed 27509835 (cited by Labcorp Genetics (formerly Invitae), Labcorp); PubMed 17576681 (cited by Labcorp Genetics (formerly Invitae), Labcorp); PubMed 9536098 (cited by Labcorp Genetics (formerly Invitae), Labcorp).

NM_000088.4(COL1A1):c.2829+5G>A

Gene: COL1A1 (collagen type I alpha 1 chain; minus strand). Cytogenetic location: 17q21.33.
Variant type: single nucleotide variant.
Coding change: c.2829+5G>A on transcript NM_000088.4 (MANE Select); 5 bases into the intron after coding-DNA position 2829, G replaced by A.
Molecular consequence: intron variant.
Genome position (GRCh38, 1-based): chr17:50,189,372, C>T on the plus strand (G>A on the coding strand, the complement: COL1A1 is on the minus strand). VCF-style: chr17-50189372-C-T. GRCh37 (hg19) VCF-style: chr17-48266733-C-T.
Identifiers: ClinVar variation 4710405 (VCV004710405.2).
Genomic context (GRCh38, chr17:50,189,372, plus strand): 5'-AGCACAGGGACCCCTCCCCAGCTCTGCACACCTCCGGAGCTGCAGAGATCTGAGCTGGCA[C>T]TTACAGCAGGACCATCAGCACCAGGGGATCCTTTCTCGCCAGCAGGGCCAGGGGGACCAG-3'